The following is an entry in ClinVar:

ClinVar aggregate classification (germline): Uncertain significance (1 of 4 stars; one submission).

Conditions:
Ehlers-Danlos syndrome, classic type, 1 (EDSCL1). Also called: EHLERS-DANLOS SYNDROME, GRAVIS TYPE; EHLERS-DANLOS SYNDROME, SEVERE CLASSIC TYPE; Ehlers-Danlos syndrome, type 1; Ehlers-Danlos Syndrome, Classic Type, COL5A1-Related; EDS I. Identifiers: MedGen C0268335, MONDO:0019567, OMIM 130000.

Submission:

Labcorp Genetics (formerly Invitae), Labcorp
Classification: Uncertain significance for Ehlers-Danlos syndrome, classic type, 1. Last evaluated: 2025-03-15. Review status: criteria provided, single submitter. Criteria: Invitae Variant Classification Sherloc (09022015). Collection method: clinical testing. Allele origin: germline.
Comment: This sequence change replaces methionine, which is neutral and non-polar, with leucine, which is neutral and non-polar, at codon 521 of the COL5A1 protein (p.Met521Leu). This variant is not present in population databases (gnomAD no frequency). This variant has not been reported in the literature in individuals affected with COL5A1-related conditions. Invitae Evidence Modeling of protein sequence and biophysical properties (such as structural, functional, and spatial information, amino acid conservation, physicochemical variation, residue mobility, and thermodynamic stability) indicates that this missense variant is not expected to disrupt COL5A1 protein function with a negative predictive value of 95%. In summary, the available evidence is currently insufficient to determine the role of this variant in disease. Therefore, it has been classified as a Variant of Uncertain Significance.

NM_000093.5(COL5A1):c.1561A>T (p.Met521Leu)

Gene: COL5A1 (collagen type V alpha 1 chain; plus strand). Cytogenetic location: 9q34.3.
Variant type: single nucleotide variant.
Coding change: c.1561A>T on transcript NM_000093.5 (MANE Select); coding-DNA position 1561, A replaced by T.
Protein change: p.Met521Leu; replaces methionine 521 with leucine.
Molecular consequence: missense variant.
Genome position (GRCh38, 1-based): chr9:134,750,608, A>T. VCF-style: chr9-134750608-A-T. GRCh37 (hg19) VCF-style: chr9-137642454-A-T.
Other names: c.1561A>T, p.Met521Leu (NM_001278074.1); short protein forms M521L.
Identifiers: ClinVar variation 4798635 (VCV004798635.1).